The following is an entry in ClinVar:

NM_177438.3(DICER1):c.4626del (p.Gln1542fs)

Gene: DICER1 (dicer 1, ribonuclease III; minus strand). Cytogenetic location: 14q32.13.
Variant type: Deletion.
Coding change: c.4626del on transcript NM_177438.3 (MANE Select); coding-DNA position 4626, one base deleted (G; older notation c.4626delG).
Protein change: p.Gln1542fs; shifts the reading frame from glutamine 1542.
Molecular consequence: frameshift variant.
Genome position (GRCh38, 1-based): chr14:95,096,294, C deleted on the plus strand (G on the coding strand, the reverse complement: DICER1 is on the minus strand). VCF-style (leftmost placement, unchanged base first): chr14-95096293-AC-A. GRCh37 (hg19) VCF-style: chr14-95562630-AC-A.
Other names: c.4626delG (NM_177438.2); c.4626del, p.Gln1542fs (NM_001195573.1, NM_001271282.3, NM_001291628.2 and 1 more transcripts); short protein forms Q1542fs.
Identifiers: ClinVar variation 254339 (VCV000254339.4), dbSNP rs886037719, ClinGen allele CA10586411.
Genomic context (GRCh38, chr14:95,096,293, plus strand): 5'-CACAGTCCGCTATGCTTTTGTCAGCAATACACTGCTCAGTGTGCAAGTCGTAAGAAATGG[AC>A]TGCTTTCCCGTGTCAACACCACAGTTTTCTTCTGATGGATTCCAGAACCCCACCACAAAG-3'

ClinVar aggregate classification (germline): Pathogenic. Review status: criteria provided, multiple submitters, no conflicts (2 of 4 stars). 2 submissions from 2 submitters: Pathogenic (2). Last evaluated 2019-07-01.

Conditions:
DICER1-related tumor predisposition. Also called: DICER1 syndrome; DICER1-related pleuropulmonary blastoma cancer predisposition syndrome. Identifiers: Orphanet 284343, MedGen C3839822, MONDO:0100216.

Submissions (2):

Foulkes Cancer Genetics LDI, Lady Davis Institute for Medical Research
Classification: Pathogenic for Pleuropulmonary blastoma. Last evaluated: 2019-07-01. Review status: criteria provided, single submitter. Criteria: ACMG Guidelines, 2015. Collection method: curation. Allele origin: somatic. Affected: yes. Observed: 1 variant allele.
Comment: ACMG criteria met: PVS1, PM2, PP4

International Pleuropulmonary Blastoma Registry, Children's Hospitals and Clinics of Minnesota
Classification: Pathogenic for Pleuropulmonary blastoma. Last evaluated: 2014-11-10. Review status: criteria provided, single submitter. Criteria: Hill et al. (Science. 2009). Collection method: clinical testing. Allele origin: germline. Affected: yes. Study: PPB-DICER1 Genetic study.

Literature cited by the submitters: PubMed 26475046 (cited by Foulkes Cancer Genetics LDI, Lady Davis Institute for Medical Research); PubMed 26925222 (cited by International Pleuropulmonary Blastoma Registry, Children's Hospitals and Clinics of Minnesota).